The following is an entry in ClinVar:

NM_001184.4(ATR):c.5381-41C>T

Gene: ATR (ATR checkpoint kinase; minus strand). Cytogenetic location: 3q23.
Variant type: single nucleotide variant.
Coding change: c.5381-41C>T on transcript NM_001184.4 (MANE Select); 41 bases into the intron before coding-DNA position 5381, C replaced by T.
Molecular consequence: intron variant.
Genome position (GRCh38, 1-based): chr3:142,498,815, G>A on the plus strand (C>T on the coding strand, the complement: ATR is on the minus strand). VCF-style: chr3-142498815-G-A. GRCh37 (hg19) VCF-style: chr3-142217657-G-A.
Other names: c.5189-41C>T (NM_001354579.2).
Identifiers: ClinVar variation 157993 (VCV000157993.7), dbSNP rs34502778, ClinGen allele CA171369.

ClinVar aggregate classification (germline): Benign. Review status: criteria provided, multiple submitters, no conflicts (2 of 4 stars). 3 submissions from 3 submitters: Benign (2). 1 of the submissions does not count toward it. Last evaluated 2018-06-16.

Allele frequency attached by ClinVar (database versions not stated): TOPMed 0.04594; ESP Exome Variant Server 0.04617; gnomAD 0.03983 and 0.04288; 1000 Genomes Project 30x 0.04450; gnomAD exomes 0.01031; 1000 Genomes Project 0.04014.
gnomAD v4.1: 11,936 of 1,590,162 alleles (0.75%); highest among the groups gnomAD compares: African/African-American, 14%; 786 homozygotes.

Submissions (3):

GeneDx
Classification: Benign. Last evaluated: 2018-06-16. Review status: criteria provided, single submitter. Criteria: GeneDx Variant Classification (06012015). Collection method: clinical testing. Allele origin: germline. Affected: yes.
Comment: This variant is considered likely benign or benign based on one or more of the following criteria: it is a conservative change, it occurs at a poorly conserved position in the protein, it is predicted to be benign by multiple in silico algorithms, and/or has population frequency not consistent with disease.

Breakthrough Genomics
Classification: Benign. Review status: criteria provided, single submitter. Criteria: ACMG Guidelines, 2015. Collection method: not provided. Allele origin: germline. Inheritance: Autosomal recessive inheritance. Affected: yes.

Genetic Services Laboratory, University of Chicago
Classification: Likely benign. Review status: no assertion criteria provided. Collection method: clinical testing. Allele origin: germline. Inheritance: Autosomal recessive inheritance. Not counted in ClinVar's aggregate classification.
Comment: Likely benign based on allele frequency in 1000 Genomes Project or ESP global frequency and its presence in a patient with a rare or unrelated disease phenotype. NOT Sanger confirmed